The following is an entry in ClinVar:

NM_001080414.4(CCDC88C):c.2983C>T (p.Gln995Ter)

Gene: CCDC88C (coiled-coil and HOOK domain protein 88C; minus strand). Cytogenetic location: 14q32.11.
Variant type: single nucleotide variant.
Coding change: c.2983C>T on transcript NM_001080414.4 (MANE Select); coding-DNA position 2983, C replaced by T.
Protein change: p.Gln995Ter; replaces glutamine 995 with a stop codon.
Molecular consequence: nonsense. On other transcripts: non-coding transcript variant (2).
Genome position (GRCh38, 1-based): chr14:91,308,374, G>A on the plus strand (C>T on the coding strand, the complement: CCDC88C is on the minus strand). VCF-style: chr14-91308374-G-A. GRCh37 (hg19) VCF-style: chr14-91774718-G-A.
Other names: short protein forms Q995*.
Identifiers: ClinVar variation 5014089 (VCV005014089.1).

ClinVar aggregate classification (germline): Pathogenic (1 of 4 stars; one submission).

Conditions:
Hydrocephalus, nonsyndromic, autosomal recessive 1 (HYC1). Also called: Hydrocephalus, nonsyndromic, autosomal recessive; Congenital hydrocephalus 1. Identifiers: Orphanet 2185, MedGen C3887608, MONDO:0009360, OMIM 236600.

Submission:

Myriad Genetics, Inc.
Classification: Pathogenic for Hydrocephalus, nonsyndromic, autosomal recessive 1. Last evaluated: 2025-02-11. Review status: criteria provided, single submitter. Criteria: Myriad Autosomal Dominant, Autosomal Recessive and X-Linked Classification Criteria (2023). Collection method: clinical testing. Allele origin: unknown.
Comment: NM_001080414.3(CCDC88C):c.2983C>T(Q995*) is expected to be pathogenic in the context of congenital hydrocephalus, CCDC88C-related. This variant is predicted to lead to an abnormal or absent protein product due to the creation of a premature termination codon in CCDC88C, a gene where loss-of-function variants are known to be pathogenic. Please note: this variant was assessed in the context of healthy population screening.